The following is an entry in ClinVar:

ClinVar aggregate classification (germline): Uncertain significance. Review status: criteria provided, multiple submitters, no conflicts (2 of 4 stars). 2 submissions from 2 submitters: Uncertain significance (2). Last evaluated 2024-12-26.

Conditions:
Autosomal recessive nonsyndromic hearing loss 61. Identifiers: Orphanet 90636, MedGen C3151230, MONDO:0013471, OMIM 613865.

gnomAD v4.1: 3 of 1,614,014 alleles (0.00019%); no homozygotes.

Submissions (2):

Laboratory of Prof. Karen Avraham, Tel Aviv University
Classification: Uncertain significance for Autosomal recessive nonsyndromic hearing loss 61. Last evaluated: 2024-12-26. Review status: criteria provided, single submitter. Criteria: ACMG Guidelines, 2015. Collection method: research. Allele origin: germline. Affected: yes. Observed: 1 variant allele.
Comment: The SLC26A5 c.2125G>C:p.(Ala709Pro) variant is extremely rare and predicted deleterious.

Blueprint Genetics
Classification: Uncertain significance. Last evaluated: 2020-03-05. Review status: criteria provided, single submitter. Criteria: ACMG Guidelines, 2015. Collection method: clinical testing. Allele origin: germline.

NM_198999.3(SLC26A5):c.2125G>C (p.Ala709Pro)

Gene: SLC26A5 (solute carrier family 26 member 5; minus strand). Cytogenetic location: 7q22.1.
Variant type: single nucleotide variant.
Coding change: c.2125G>C on transcript NM_198999.3 (MANE Select); coding-DNA position 2125, G replaced by C.
Protein change: p.Ala709Pro; replaces alanine 709 with proline.
Molecular consequence: missense variant. On other transcripts: non-coding transcript variant (4), intron variant (4).
Genome position (GRCh38, 1-based): chr7:103,374,509, C>G on the plus strand (G>C on the coding strand, the complement: SLC26A5 is on the minus strand). VCF-style: chr7-103374509-C-G. GRCh37 (hg19) VCF-style: chr7-103014956-C-G.
Other names: DFNB61; c.2029G>C, p.Ala677Pro (NM_001167962.2); c.972-21583G>C (NM_206885.3); c.1945+2299G>C (NM_001321787.2); c.1514+14499G>C (NM_206884.3); c.2041+2299G>C (NM_206883.3); short protein forms A677P, A709P.
Identifiers: ClinVar variation 3393407 (VCV003393407.2).
Genomic context (GRCh38, chr7:103,374,509, plus strand): 5'-AAGGGGGAGCCGAGGCTTCCTGTTCAGCAAGTGCCTCTCTAAGTTGGCTGCCTAAAACTG[C>G]ATCATGAATGCTGTGGAACAGCAGCTCCCATAGGGCAGGATTTTCAAAAAATCTATTCCG-3'
Protein context (NP_945350.1, residues 699-719): WELLFHSIHD[Ala709Pro]VLGSQLREAL